The following is an entry in ClinVar:

ClinVar aggregate classification (germline): Uncertain significance (1 of 4 stars; one submission).

Conditions:
X-linked Emery-Dreifuss muscular dystrophy. Also called: Muscular dystrophy, tardive Emery-Dreifuss type, with contractures. Identifiers: Orphanet 261, Orphanet 98863, MedGen C0751337, MONDO:0010680.

Submission:

Labcorp Genetics (formerly Invitae), Labcorp
Classification: Uncertain significance for X-linked Emery-Dreifuss muscular dystrophy. Last evaluated: 2024-12-09. Review status: criteria provided, single submitter. Criteria: Invitae Variant Classification Sherloc (09022015). Collection method: clinical testing. Allele origin: germline.
Comment: This sequence change replaces glutamic acid, which is acidic and polar, with glycine, which is neutral and non-polar, at codon 146 of the EMD protein (p.Glu146Gly). This variant is not present in population databases (gnomAD no frequency). This variant has not been reported in the literature in individuals affected with EMD-related conditions. ClinVar contains an entry for this variant (Variation ID: 1373752). Invitae Evidence Modeling of protein sequence and biophysical properties (such as structural, functional, and spatial information, amino acid conservation, physicochemical variation, residue mobility, and thermodynamic stability) indicates that this missense variant is not expected to disrupt EMD protein function with a negative predictive value of 80%. In summary, the available evidence is currently insufficient to determine the role of this variant in disease. Therefore, it has been classified as a Variant of Uncertain Significance.

NM_000117.3(EMD):c.437A>G (p.Glu146Gly)

Gene: EMD (emerin; plus strand). Cytogenetic location: Xq28.
Variant type: single nucleotide variant.
Coding change: c.437A>G on transcript NM_000117.3 (MANE Select); coding-DNA position 437, A replaced by G.
Protein change: p.Glu146Gly; replaces glutamic acid 146 with glycine.
Molecular consequence: missense variant.
Genome position (GRCh38, 1-based): chrX:154,380,790, A>G. VCF-style: chrX-154380790-A-G. GRCh37 (hg19) VCF-style: chrX-153609150-A-G.
Other names: short protein forms E146G.
Identifiers: ClinVar variation 1373752 (VCV001373752.8), dbSNP rs2148128747, ClinGen allele CA415258305.